The following is an entry in ClinVar:

NM_001453.3(FOXC1):c.971C>T (p.Ala324Val)

Gene: FOXC1 (forkhead box C1; plus strand). Cytogenetic location: 6p25.3.
Variant type: single nucleotide variant.
Coding change: c.971C>T on transcript NM_001453.3 (MANE Select); coding-DNA position 971, C replaced by T.
Protein change: p.Ala324Val; replaces alanine 324 with valine.
Molecular consequence: missense variant.
Genome position (GRCh38, 1-based): chr6:1,611,416, C>T. VCF-style: chr6-1611416-C-T. GRCh37 (hg19) VCF-style: chr6-1611651-C-T.
Other names: short protein forms A324V.
Identifiers: ClinVar variation 3617930 (VCV003617930.2).

ClinVar aggregate classification (germline): Uncertain significance (1 of 4 stars; one submission).

Conditions:
Axenfeld-Rieger syndrome type 3 (RIEG3). Also called: AXENFELD-RIEGER ANOMALY WITH CARDIAC DEFECTS AND/OR SENSORINEURAL HEARING LOSS. Identifiers: Orphanet 782, MedGen C2678503, MONDO:0011233, OMIM 602482.

Submission:

Labcorp Genetics (formerly Invitae), Labcorp
Classification: Uncertain significance for Axenfeld-Rieger syndrome type 3. Last evaluated: 2025-11-19. Review status: criteria provided, single submitter. Criteria: Invitae Variant Classification Sherloc (09022015). Collection method: clinical testing. Allele origin: germline.
Comment: This sequence change replaces alanine, which is neutral and non-polar, with valine, which is neutral and non-polar, at codon 324 of the FOXC1 protein (p.Ala324Val). This variant is not present in population databases (gnomAD no frequency). This variant has not been reported in the literature in individuals affected with FOXC1-related conditions. ClinVar contains an entry for this variant (Variation ID: 3617930). An algorithm developed to predict the effect of missense changes on protein structure and function (PolyPhen-2) suggests that this variant is likely to be tolerated. In summary, the available evidence is currently insufficient to determine the role of this variant in disease. Therefore, it has been classified as a Variant of Uncertain Significance.